The following is an entry in ClinVar:

ClinVar aggregate classification (germline): Benign (0 of 4 stars; one submission).

Conditions:
MUC16-related disorder. Also called: MUC16-related condition.

Allele frequency attached by ClinVar (database versions not stated): gnomAD exomes 0.00096; ESP Exome Variant Server 0.00425; ExAC 0.00444; gnomAD 0.00543; TOPMed 0.00549; 1000 Genomes Project 0.01138; 1000 Genomes Project 30x 0.01156.

Submission:

PreventionGenetics, part of Exact Sciences
Classification: Benign for MUC16-related condition. Last evaluated: 2019-04-25. Review status: no assertion criteria provided. Collection method: clinical testing. Allele origin: germline.
Comment: This variant is classified as benign based on ACMG/AMP sequence variant interpretation guidelines (Richards et al. 2015 PMID: 25741868, with internal and published modifications).

NM_001401501.2(MUC16):c.45283A>G (p.Thr15095Ala)

Gene: MUC16 (mucin 16, cell surface associated; minus strand). Cytogenetic location: 19p13.2.
Variant type: single nucleotide variant.
Coding change: c.45283A>G on transcript NM_001401501.2 (MANE Select); coding-DNA position 45283, A replaced by G.
Protein change: p.Thr15095Ala; replaces threonine 15095 with alanine.
Molecular consequence: missense variant.
Genome position (GRCh38, 1-based): chr19:8,862,883, T>C on the plus strand (A>G on the coding strand, the complement: MUC16 is on the minus strand). VCF-style: chr19-8862883-T-C. GRCh37 (hg19) VCF-style: chr19-8973559-T-C.
Other names: c.45709A>G, p.Thr15237Ala (NM_001414686.1); c.45163A>G, p.Thr15055Ala (NM_001414687.1); c.42757A>G, p.Thr14253Ala (NM_024690.2); short protein forms T14253A, T15055A, T15095A, T15237A.
Identifiers: ClinVar variation 3033479 (VCV003033479.2), dbSNP rs61734967, ClinGen allele CA9162275.